The following is an entry in ClinVar:

ClinVar aggregate classification (germline): Conflicting classifications of pathogenicity. Review status: criteria provided, conflicting classifications (1 of 4 stars). 3 submissions from 3 submitters: Uncertain significance (1); Likely benign (2). Last evaluated 2025-12-23.

Conditions:
OTOF-related disorder. Also called: OTOF-related condition.

Allele frequency attached by ClinVar (database versions not stated): gnomAD exomes 0.00002; TOPMed 0.00009; ExAC 0.00012; gnomAD 0.00014; 1000 Genomes Project 0.00020; ESP Exome Variant Server 0.00023; 1000 Genomes Project 30x 0.00031.
gnomAD v4.1: 47 of 1,594,446 alleles (0.0029%); highest among the groups gnomAD compares: African/African-American, 0.055%; no homozygotes.

Submissions (3):

Labcorp Genetics (formerly Invitae), Labcorp
Classification: Likely benign. Last evaluated: 2025-12-23. Review status: criteria provided, single submitter. Criteria: Invitae Variant Classification Sherloc (09022015). Collection method: clinical testing. Allele origin: germline.

GeneDx
Classification: Uncertain significance. Last evaluated: 2024-12-11. Review status: criteria provided, single submitter. Criteria: GeneDx Variant Classification Process June 2021. Collection method: clinical testing. Allele origin: germline. Affected: yes.
Comment: In silico analysis indicates that this variant does not alter splicing; Has not been previously published as pathogenic or benign to our knowledge

PreventionGenetics, part of Exact Sciences
Classification: Likely benign for OTOF-related condition. Last evaluated: 2024-11-22. Review status: criteria provided, single submitter. Criteria: ACMG Guidelines, 2015. Collection method: clinical testing. Allele origin: germline.
Comment: This variant is classified as likely benign based on ACMG/AMP sequence variant interpretation guidelines (Richards et al. 2015 PMID: 25741868, with internal and published modifications).

NM_194248.3(OTOF):c.5814-7A>T

Gene: OTOF (otoferlin; minus strand). Cytogenetic location: 2p23.3.
Variant type: single nucleotide variant.
Coding change: c.5814-7A>T on transcript NM_194248.3 (MANE Select); 7 bases into the intron before coding-DNA position 5814, A replaced by T.
Molecular consequence: intron variant.
Genome position (GRCh38, 1-based): chr2:26,460,212, T>A on the plus strand (A>T on the coding strand, the complement: OTOF is on the minus strand). VCF-style: chr2-26460212-T-A. GRCh37 (hg19) VCF-style: chr2-26683080-T-A.
Other names: c.5813+435A>T (NM_001287489.2); c.3512+435A>T (NM_194323.3); c.3513-7A>T (NM_004802.4); c.3744-7A>T (NM_194322.3); c.5814-7A>T (NM_194248.2).
Identifiers: ClinVar variation 2183925 (VCV002183925.6), dbSNP rs375395837, ClinGen allele CA1562683.